The following is an entry in ClinVar:

NM_000051.4(ATM):c.5405dup (p.His1802fs)

Gene: ATM (ATM serine/threonine kinase; plus strand). Cytogenetic location: 11q22.3.
Variant type: Duplication.
Coding change: c.5405dup on transcript NM_000051.4 (MANE Select); coding-DNA position 5405, one base duplicated (A; older notation c.5405dupA).
Protein change: p.His1802fs; shifts the reading frame from histidine 1802.
Molecular consequence: frameshift variant.
Genome position (GRCh38, 1-based): chr11:108,302,938, A duplicated. VCF-style (leftmost placement, unchanged base first): chr11-108302937-C-CA. GRCh37 (hg19) VCF-style: chr11-108173664-C-CA.
Other names: c.5405dupA (NM_000051.3, NM_000051.4); c.5405dup, p.His1802fs (NM_001351834.2); short protein forms H1802fs.
Identifiers: ClinVar variation 453575 (VCV000453575.20), dbSNP rs1555106452, ClinGen allele CA658656255.

ClinVar aggregate classification (germline): Pathogenic. Review status: criteria provided, multiple submitters, no conflicts (2 of 4 stars). 5 submissions from 5 submitters: Pathogenic (5). Last evaluated 2025-08-11.

Conditions:
Hereditary cancer-predisposing syndrome. Also called: Tumor predisposition; Hereditary Cancer Syndrome; Neoplastic Syndromes, Hereditary; Hereditary neoplastic syndrome. Identifiers: Orphanet 140162, MedGen C0027672, MeSH D009386, MONDO:0015356.
Familial cancer of breast. Also called: Hereditary breast cancer; hereditary breast carcinoma; BREAST CANCER, FAMILIAL. Identifiers: Orphanet 227535, MedGen C0346153, MONDO:0016419, OMIM 114480. Disease mechanism: loss of function.
Ataxia-telangiectasia syndrome (AT). Also called: Cerebello-oculocutaneous telangiectasia; Immunodeficiency with ataxia telangiectasia; Ataxia-telangiectasia, complementation group D; AT, COMPLEMENTATION GROUP C; Ataxia-telangiectasia, complementation group E; LOUIS-BAR SYNDROME. Identifiers: Orphanet 100, MedGen C0004135, MONDO:0008840, OMIM 208900.

Submissions (5):

Labcorp Genetics (formerly Invitae), Labcorp
Classification: Pathogenic for Ataxia-telangiectasia syndrome. Last evaluated: 2025-08-11. Review status: criteria provided, single submitter. Criteria: Invitae Variant Classification Sherloc (09022015). Collection method: clinical testing. Allele origin: germline.
Comment: This sequence change creates a premature translational stop signal (p.His1802Glnfs*2) in the ATM gene. It is expected to result in an absent or disrupted protein product. Loss-of-function variants in ATM are known to be pathogenic (PMID: 23807571, 25614872). This variant is not present in population databases (gnomAD no frequency). This premature translational stop signal has been observed in individual(s) with ataxia-telangiectasia (PMID: 10980530). This variant is also known as 5405-5406insA. ClinVar contains an entry for this variant (Variation ID: 453575). For these reasons, this variant has been classified as Pathogenic.

Center for Genomic Medicine, Rigshospitalet, Copenhagen University Hospital
Classification: Pathogenic. Last evaluated: 2025-03-04. Review status: criteria provided, single submitter. Criteria: ACMG Guidelines, 2015. Collection method: clinical testing. Allele origin: germline.

Ambry Genetics
Classification: Pathogenic for Hereditary cancer-predisposing syndrome. Last evaluated: 2024-09-06. Review status: criteria provided, single submitter. Criteria: Ambry Variant Classification Scheme 2023. Collection method: clinical testing. Allele origin: germline.
Comment: The c.5405dupA pathogenic mutation, located in coding exon 35 of the ATM gene, results from a duplication of A at nucleotide position 5405, causing a translational frameshift with a predicted alternate stop codon (p.H1802Qfs*2). This variant is considered to be rare based on population cohorts in the Genome Aggregation Database (gnomAD). In addition to the clinical data presented in the literature, this alteration is expected to result in loss of function by premature protein truncation or nonsense-mediated mRNA decay. As such, this alteration is interpreted as a disease-causing mutation.

Myriad Genetics, Inc.
Classification: Pathogenic for Familial cancer of breast. Last evaluated: 2024-01-25. Review status: criteria provided, single submitter. Criteria: Myriad Autosomal Dominant, Autosomal Recessive and X-Linked Classification Criteria (2023). Collection method: clinical testing. Allele origin: unknown.
Comment: This variant is considered pathogenic. This variant creates a frameshift predicted to result in premature protein truncation.

Color Diagnostics, LLC DBA Color Health
Classification: Pathogenic for Hereditary cancer-predisposing syndrome. Last evaluated: 2020-04-24. Review status: criteria provided, single submitter. Criteria: ACMG Guidelines, 2015. Collection method: clinical testing. Allele origin: germline.
Comment: This variant inserts 1 nucleotide in exon 36 of the ATM gene, creating a frameshift and premature translation stop signal. This variant is expected to result in an absent or non-functional protein product. This variant has been reported in an individual affected with ataxia telangiectasia (PMID: 10980530). This variant has not been identified in the general population by the Genome Aggregation Database (gnomAD). Loss of ATM function is a known mechanism of disease. Based on the available evidence, this variant is classified as Pathogenic.

Literature cited by the submitters: PubMed 23807571 (cited by Labcorp Genetics (formerly Invitae), Labcorp); PubMed 25614872 (cited by Labcorp Genetics (formerly Invitae), Labcorp); PubMed 10980530 (cited by 3 submitters).